The following is an entry in ClinVar:

NM_001378969.1(KCND3):c.1924A>T (p.Ile642Phe)

Gene: KCND3 (potassium voltage-gated channel subfamily D member 3; minus strand). Cytogenetic location: 1p13.2.
Variant type: single nucleotide variant.
Coding change: c.1924A>T on transcript NM_001378969.1 (MANE Select); coding-DNA position 1924, A replaced by T.
Protein change: p.Ile642Phe; replaces isoleucine 642 with phenylalanine.
Molecular consequence: missense variant.
Genome position (GRCh38, 1-based): chr1:111,776,121, T>A on the plus strand (A>T on the coding strand, the complement: KCND3 is on the minus strand). VCF-style: chr1-111776121-T-A. GRCh37 (hg19) VCF-style: chr1-112318743-T-A.
Other names: c.1867A>T, p.Ile623Phe (NM_001378970.1, NM_172198.3); c.1924A>T, p.Ile642Phe (NM_004980.5); short protein forms I642F, I623F.
Identifiers: ClinVar variation 533724 (VCV000533724.13), dbSNP rs754759010, ClinGen allele CA1007314.
Genomic context (GRCh38, chr1:111,776,121, plus strand): 5'-CCTCTGTCCAGTGGTTTTACAAGGCGGAGACCTTGACAACATTGCTGGCTATGGAAGGAA[T>A]GTTCGTGTTGGGGCCTGGGCTGGCAGGGGGTGGCCGACTTTCCCCCTCTGGGGTTAGCGC-3'
Protein context (NP_001365898.1, residues 632-652): PPASPGPNTN[Ile642Phe]PSIASNVVKV

ClinVar aggregate classification (germline): Uncertain significance. Review status: criteria provided, multiple submitters, no conflicts (2 of 4 stars). 3 submissions from 3 submitters: Uncertain significance (2). 1 of the submissions does not count toward it. Last evaluated 2022-10-30.

Conditions:
Cardiovascular phenotype. Identifiers: MedGen CN230736.
Spinocerebellar ataxia type 19/22 (SCA19). Also called: SPINOCEREBELLAR ATAXIA 19; SPINOCEREBELLAR ATAXIA 22. Identifiers: Orphanet 98772, MedGen C1846367, MONDO:0011819, OMIM 607346.

gnomAD v4.1: 16 of 1,614,146 alleles (0.00099%); highest among the groups gnomAD compares: South Asian, 0.015%; no homozygotes.

Submissions (3):

Ambry Genetics
Classification: Uncertain significance for Cardiovascular phenotype. Last evaluated: 2022-10-30. Review status: criteria provided, single submitter. Criteria: Ambry Variant Classification Scheme 2023. Collection method: clinical testing. Allele origin: germline.
Comment: The p.I642F variant (also known as c.1924A>T), located in coding exon 7 of the KCND3 gene, results from an A to T substitution at nucleotide position 1924. The isoleucine at codon 642 is replaced by phenylalanine, an amino acid with highly similar properties. This amino acid position is conserved. In addition, the in silico prediction for this alteration is inconclusive. Since supporting evidence is limited at this time, the clinical significance of this alteration remains unclear.

Labcorp Genetics (formerly Invitae), Labcorp
Classification: Uncertain significance for Spinocerebellar ataxia type 19/22. Last evaluated: 2017-11-02. Review status: criteria provided, single submitter. Criteria: Invitae Variant Classification Sherloc (09022015). Collection method: clinical testing. Allele origin: germline.
Comment: In summary, the available evidence is currently insufficient to determine the role of this variant in disease. Therefore, it has been classified as a Variant of Uncertain Significance. Algorithms developed to predict the effect of missense changes on protein structure and function do not agree on the potential impact of this missense change (SIFT: "Deleterious"; PolyPhen-2: "Benign"; Align-GVGD: "Class C0"). This variant has not been reported in the literature in individuals with KCND3-related disease. This variant is present in population databases (rs754759010, ExAC 0.01%). This sequence change replaces isoleucine with phenylalanine at codon 642 of the KCND3 protein (p.Ile642Phe). The isoleucine residue is moderately conserved and there is a small physicochemical difference between isoleucine and phenylalanine.

Hong-Tao Li Lab, Institute of Brain Science and Brain-inspired Research, Shandong First Medical University & Shandong Academy of Medical Sciences China
Classification: Uncertain significance for Spinocerebellar ataxia type 19/22. Review status: no assertion criteria provided. Collection method: research. Allele origin: germline. Inheritance: Autosomal dominant inheritance. Affected: yes. Observed: 1 variant allele, 1 heterozygote. Not counted in ClinVar's aggregate classification.
Comment: Observed in affected individuals from a Pakistani neurodevelopmental-disorder research cohort of 263 individuals. Classification assigned using the ACMG/AMP framework. Population-frequency evidence: gnomAD AF 2.388e-05.